The following is an entry in ClinVar:

ClinVar aggregate classification (germline): Uncertain significance. Review status: criteria provided, multiple submitters, no conflicts (2 of 4 stars). 2 submissions from 2 submitters: Uncertain significance (2). Last evaluated 2026-03-18.

Conditions:
Cardiomyopathy, familial hypertrophic, 28. Identifiers: MedGen C5543616, MONDO:0030317, OMIM 619402.
FHOD3-related disorder. Also called: FHOD3-related condition.

gnomAD v4.1: 21 of 1,613,664 alleles (0.0013%); highest among the groups gnomAD compares: Non-Finnish European, 0.0018%; no homozygotes.

Submissions (2):

PreventionGenetics, part of Exact Sciences
Classification: Uncertain significance for FHOD3-related condition. Last evaluated: 2026-03-18. Review status: criteria provided, single submitter. Criteria: ACMG Guidelines, 2015. Collection method: clinical testing. Allele origin: germline.
Comment: The FHOD3 c.1947G>T variant is predicted to result in the amino acid substitution p.Glu649Asp. To our knowledge, this variant has not been reported in the literature. This variant is reported in 0.0031% of alleles in individuals of European (Non-Finnish) descent in gnomAD. At this time, the clinical significance of this variant is uncertain due to the absence of conclusive functional and genetic evidence.

Victorian Clinical Genetics Services, Murdoch Childrens Research Institute
Classification: Uncertain significance for Cardiomyopathy, familial hypertrophic, 28. Last evaluated: 2025-05-01. Review status: criteria provided, single submitter. Criteria: ACMG Guidelines, 2015. Collection method: clinical testing. Allele origin: germline. Affected: yes.
Comment: This variant is classified as VUS-3B. Evidence in support of pathogenic classification: Variant is present in gnomAD <0.001 for a dominant condition (v4: 21 heterozygote(s), 0 homozygote(s)). Additional information: Variant is predicted to result in a missense amino acid change from glutamic acid to asparagine; This variant is heterozygous; This gene is associated with autosomal dominant disease; Alternative amino acid change(s) at the same position are present in gnomAD (Highest allele count: v4: 1 heterozygote(s), 0 homozygote(s)); This variant has no previous evidence of pathogenicity; No published segregation evidence has been identified for this variant; No published functional evidence has been identified for this variant; No comparable missense variants have previous evidence for pathogenicity; Variant is not located in an established domain, motif, hotspot or informative constraint region; Missense variant with inconclusive in silico prediction and uninformative conservation; The mechanism of disease for this gene is not clearly established. However, dominant negative is a suggested mechanism (PMIDs: 24088304, 35205353); The condition associated with this gene has incomplete penetrance (PMID: 30442288); Inheritance information for this variant is not currently available in this individual.

Literature cited by the submitters: PubMed 24088304 (cited by Victorian Clinical Genetics Services, Murdoch Childrens Research Institute); PubMed 35205353 (cited by Victorian Clinical Genetics Services, Murdoch Childrens Research Institute); PubMed 30442288 (cited by Victorian Clinical Genetics Services, Murdoch Childrens Research Institute).

NM_001281740.3(FHOD3):c.1947G>T (p.Glu649Asp)

Gene: FHOD3 (formin homology 2 domain containing 3; plus strand). Cytogenetic location: 18q12.2.
Variant type: single nucleotide variant.
Coding change: c.1947G>T on transcript NM_001281740.3 (MANE Select); coding-DNA position 1947, G replaced by T.
Protein change: p.Glu649Asp; replaces glutamic acid 649 with aspartic acid.
Molecular consequence: missense variant.
Genome position (GRCh38, 1-based): chr18:36,681,547, G>T. VCF-style: chr18-36681547-G-T. GRCh37 (hg19) VCF-style: chr18-34261510-G-T.
Other names: c.1422G>T, p.Glu474Asp (NM_001281739.3, NM_025135.5); c.1947G>T (NM_001281740.2); short protein forms E474D, E649D.
Identifiers: ClinVar variation 4531689 (VCV004531689.2).